The following is an entry in ClinVar:

ClinVar aggregate classification (germline): Uncertain significance (1 of 4 stars; one submission).

Conditions:
Sphingolipid activator protein 1 deficiency. Also called: Metachromatic leukodystrophy due to saposin B deficiency; Saposin B Deficiency; METACHROMATIC LEUKODYSTROPHY DUE TO CEREBROSIDE SULFATASE ACTIVATOR DEFICIENCY. Identifiers: Orphanet 512, MedGen C0268262, MONDO:0009590, OMIM 249900.

gnomAD v4.1: 3 of 1,614,146 alleles (0.00019%); highest among the groups gnomAD compares: African/African-American, 0.0027%; no homozygotes.

Submission:

Labcorp Genetics (formerly Invitae), Labcorp
Classification: Uncertain significance for Sphingolipid activator protein 1 deficiency. Last evaluated: 2022-06-27. Review status: criteria provided, single submitter. Criteria: Invitae Variant Classification Sherloc (09022015). Collection method: clinical testing. Allele origin: germline.
Comment: This sequence change replaces proline, which is neutral and non-polar, with arginine, which is basic and polar, at codon 350 of the PSAP protein (p.Pro350Arg). This variant is not present in population databases (gnomAD no frequency). This variant has not been reported in the literature in individuals affected with PSAP-related conditions. Algorithms developed to predict the effect of missense changes on protein structure and function are either unavailable or do not agree on the potential impact of this missense change (SIFT: "Not Available"; PolyPhen-2: "Probably Damaging"; Align-GVGD: "Not Available"). In summary, the available evidence is currently insufficient to determine the role of this variant in disease. Therefore, it has been classified as a Variant of Uncertain Significance.

NM_002778.4(PSAP):c.1049C>G (p.Pro350Arg)

Gene: PSAP (prosaposin; minus strand). Cytogenetic location: 10q22.1.
Variant type: single nucleotide variant.
Coding change: c.1049C>G on transcript NM_002778.4 (MANE Select); coding-DNA position 1049, C replaced by G.
Protein change: p.Pro350Arg; replaces proline 350 with arginine.
Molecular consequence: missense variant.
Genome position (GRCh38, 1-based): chr10:71,819,857, G>C on the plus strand (C>G on the coding strand, the complement: PSAP is on the minus strand). VCF-style: chr10-71819857-G-C. GRCh37 (hg19) VCF-style: chr10-73579614-G-C.
Other names: c.1058C>G, p.Pro353Arg (NM_001042465.3); c.1055C>G, p.Pro352Arg (NM_001042466.3); short protein forms P352R, P350R, P353R.
Identifiers: ClinVar variation 1390108 (VCV001390108.5), dbSNP rs201129306, ClinGen allele CA209455010.